The following is an entry in ClinVar:

ClinVar aggregate classification (germline): Likely benign (0 of 4 stars; one submission).

Conditions:
ATRN-related disorder. Also called: ATRN-related condition.

Allele frequency attached by ClinVar (database versions not stated): TOPMed 0.00001; gnomAD exomes 0.00002; gnomAD 0.00003; ExAC 0.00008; ESP Exome Variant Server 0.00008.
gnomAD v4.1: 40 of 1,613,856 alleles (0.0025%); highest among the groups gnomAD compares: East Asian, 0.011%; no homozygotes.

Submission:

PreventionGenetics, part of Exact Sciences
Classification: Likely benign for ATRN-related condition. Last evaluated: 2019-08-30. Review status: no assertion criteria provided. Collection method: clinical testing. Allele origin: germline.
Comment: This variant is classified as likely benign based on ACMG/AMP sequence variant interpretation guidelines (Richards et al. 2015 PMID: 25741868, with internal and published modifications).

NM_139321.3(ATRN):c.798C>T (p.Ser266=)

Gene: ATRN (attractin; plus strand). Cytogenetic location: 20p13.
Variant type: single nucleotide variant.
Coding change: c.798C>T on transcript NM_139321.3 (MANE Select); coding-DNA position 798, C replaced by T.
Protein change: p.Ser266=; no amino-acid change (serine 266 retained).
Molecular consequence: synonymous variant.
Genome position (GRCh38, 1-based): chr20:3,547,344, C>T. VCF-style: chr20-3547344-C-T. GRCh37 (hg19) VCF-style: chr20-3527991-C-T.
Other names: c.450C>T, p.Ser150= (NM_001207047.3); c.798C>T, p.Ser266= (NM_001323332.2, NM_139322.4).
Identifiers: ClinVar variation 3053188 (VCV003053188.2), dbSNP rs369774374, ClinGen allele CA9743898.